The following is an entry in ClinVar:

ClinVar aggregate classification (germline): Pathogenic. Review status: reviewed by expert panel (3 of 4 stars). 2 submissions from 2 submitters: Pathogenic (1). 1 of the submissions does not count toward it. Last evaluated 2025-09-05.

Conditions:
X-linked cone-rod dystrophy. Identifiers: MedGen CN323387, MONDO:0021155.
RPGR-related retinopathy. Also called: RPGR retinopathy. Identifiers: MedGen CN305589, MONDO:0100437.

Submissions (2):

ClinGen X-linked Inherited Retinal Disease Variant Curation Expert Panel, ClinGen
Classification: Pathogenic for RPGR-related retinopathy. Last evaluated: 2025-09-05. Review status: reviewed by expert panel. Criteria: ClinGen X LinkedIRD ACMG Specifications RPGR V1.0.0. Collection method: curation. Allele origin: germline. Inheritance: X-linked inheritance.
Comment: NM_001034853.2(RPGR):c.283G>A (p.Gly95Arg) is a missense variant that replaces glycine with arginine at amino acid 95. Another missense variant in the same codon, NM_001034853.2(RPGR):c.284G>A (p.Gly95Glu) (PMID: 33598457), has been classified as likely pathogenic for RPGR-related retinopathy by the ClinGen X-linked IRD VCEP, while no benign missense variants have been identified in this codon. The present variant has a higher Grantham’s distance (125) than the comparison variant (98), and SpliceAI has been used to confirm that neither variant has a predicted impact on RPGR splicing (PM5_Supporting). This variant is absent from gnomAD v4.1.0 (PM2_Supporting). At least one proband harboring this variant exhibits rod-cone dystrophy (1 pt) with onset during the teens (1 pt), genotyping by next-generation sequencing with a 105-gene panel that did not identify an alternative cause of retinal disease (2 pts), family history consistent with X-linked inheritance (2 pt) with female family members showing milder phenotypes (1 pt), reduced visual acuity (0.5 pts), and fundus mid-peripheral atrophy (0.5 pts), which together are highly specific for RPGR-related retinopathy (8 total pts, PMID: 28488341; PMID: 36882936, PP4_Moderate). The variant has been reported to segregate with retinal dystrophy through at least 3 affected meioses from 1 family (PP1_Moderate; PMID: 28488341, PMID: 36882936). The computational predictor REVEL gives a score of 0.972, which is above the ClinGen X-linked IRD VCEP threshold of ≥ 0.932 and predicts a damaging effect on RPGR function (PP3_Strong). The computational splicing predictor SpliceAI gives a delta score of 0.19 for donor loss, which is below the ClinGen X-linked IRD VCEP threshold of >0.2 and does not predict that the variant disrupts RPGR splicing. In summary, this variant is classified as pathogenic for RPGR-related retinopathy based on the ClinGen X-linked Inherited Retinal Disease Expert Panel Specifications to the ACMG/AMP Variant Interpretation Guidelines for RPGR Version 1.0.0; PM2_Supporting, PM5_Supporting, PP1_Moderate, PP3_Strong, and PP4_Moderate.

Genetic Eye Disease Investigation Unit, University of Auckland
Classification: Likely pathogenic for X-LINKED ROD CONE DYSTROPHY. Last evaluated: 2023-01-03. Review status: no assertion criteria provided. Collection method: clinical testing. Allele origin: maternal. Affected: yes. Observed: 4 variant alleles. Clinical features observed: Rod-cone dystrophy (HP:0000510). Not counted in ClinVar's aggregate classification.

NM_001034853.2(RPGR):c.283G>A (p.Gly95Arg)

Gene: RPGR (retinitis pigmentosa GTPase regulator; minus strand). Cytogenetic location: Xp11.4.
Variant type: single nucleotide variant.
Coding change: c.283G>A on transcript NM_001034853.2 (MANE Select); coding-DNA position 283, G replaced by A.
Protein change: p.Gly95Arg; replaces glycine 95 with arginine.
Molecular consequence: missense variant. On other transcripts: non-coding transcript variant (6).
Genome position (GRCh38, 1-based): chrX:38,321,054, C>T on the plus strand (G>A on the coding strand, the complement: RPGR is on the minus strand). VCF-style: chrX-38321054-C-T. GRCh37 (hg19) VCF-style: chrX-38180307-C-T.
Other names: NM_001034853.2(RPGR):c.283G>A; p.Gly95Arg; c.283G>A, p.Gly95Arg (NM_000328.3, NM_001367245.1, NM_001367246.1 and 4 more transcripts); c.313G>A, p.Gly105Arg (NM_001367248.1); short protein forms G105R, G95R.
Identifiers: ClinVar variation 2430151 (VCV002430151.2), dbSNP rs2519902268, ClinGen allele CA412745404.